The following is an entry in ClinVar:

NM_000701.8(ATP1A1):c.1871C>G (p.Ala624Gly)

Genes: ATP1A1 (ATPase Na+/K+ transporting subunit alpha 1; plus strand), ATP1A1-AS1 (ATP1A1 antisense RNA 1; minus strand). Cytogenetic location: 1p13.1.
Variant type: single nucleotide variant.
Coding change: c.1871C>G on transcript NM_000701.8 (MANE Select); coding-DNA position 1871, C replaced by G.
Protein change: p.Ala624Gly; replaces alanine 624 with glycine.
Molecular consequence: missense variant.
Genome position (GRCh38, 1-based): chr1:116,396,632, C>G. VCF-style: chr1-116396632-C-G. GRCh37 (hg19) VCF-style: chr1-116939254-C-G.
Other names: c.1871C>G, p.Ala624Gly (NM_001160233.2); c.1778C>G, p.Ala593Gly (NM_001160234.2); short protein forms A624G, A593G.
Identifiers: ClinVar variation 4760406 (VCV004760406.1).
Genomic context (GRCh38, chr1:116,396,632, plus strand): 5'-TCAACACATTGTCTTGTTTATTACAGGTCATCATGGTCACAGGAGACCATCCAATCACAG[C>G]TAAAGCTATTGCCAAAGGTGTGGGCATCATCTCAGAAGGCAATGAGACCGTGGAAGACAT-3'
Protein context (NP_000692.2, residues 614-634): IMVTGDHPIT[Ala624Gly]KAIAKGVGII

ClinVar aggregate classification (germline): Uncertain significance (1 of 4 stars; one submission).

Submission:

Labcorp Genetics (formerly Invitae), Labcorp
Classification: Uncertain significance. Last evaluated: 2025-09-07. Review status: criteria provided, single submitter. Criteria: Invitae Variant Classification Sherloc (09022015). Collection method: clinical testing. Allele origin: germline.
Comment: This sequence change replaces alanine, which is neutral and non-polar, with glycine, which is neutral and non-polar, at codon 624 of the ATP1A1 protein (p.Ala624Gly). This variant is not present in population databases (gnomAD no frequency). This variant has not been reported in the literature in individuals affected with ATP1A1-related conditions. Invitae Evidence Modeling of protein sequence and biophysical properties (such as structural, functional, and spatial information, amino acid conservation, physicochemical variation, residue mobility, and thermodynamic stability) indicates that this missense variant is expected to disrupt ATP1A1 protein function with a positive predictive value of 80%. In summary, the available evidence is currently insufficient to determine the role of this variant in disease. Therefore, it has been classified as a Variant of Uncertain Significance.